The following is an entry in ClinVar:

NM_001080.3(ALDH5A1):c.34dup (p.Ala12fs)

Genes: ALDH5A1 (aldehyde dehydrogenase 5 family member A1; plus strand), GPLD1 (glycosylphosphatidylinositol specific phospholipase D1; minus strand), LOC129995978 (ATAC-STARR-seq lymphoblastoid silent region 16989; plus strand). Cytogenetic location: 6p22.3.
Variant type: Duplication.
Coding change: c.34dup on transcript NM_001080.3 (MANE Select); coding-DNA position 34, one base duplicated (G; older notation c.34dupG).
Protein change: p.Ala12fs; shifts the reading frame from alanine 12.
Molecular consequence: frameshift variant.
Genome position (GRCh38, 1-based): chr6:24,495,030, G duplicated; the last of 4 consecutive G bases (chr6:24,495,027-24,495,030); duplicating any one gives the same sequence. VCF-style (leftmost placement, unchanged base first): chr6-24495026-T-TG. GRCh37 (hg19) VCF-style: chr6-24495254-T-TG.
Other names: c.34dup, p.Ala12fs (NM_001368954.1, NM_170740.1); short protein forms A12fs.
Identifiers: ClinVar variation 1075244 (VCV001075244.13), dbSNP rs1397344379, ClinGen allele CA565925757.

ClinVar aggregate classification (germline): Pathogenic. Review status: criteria provided, multiple submitters, no conflicts (2 of 4 stars). 3 submissions from 3 submitters: Pathogenic (3). Last evaluated 2026-10-13.

Conditions:
Succinate-semialdehyde dehydrogenase deficiency (SSADHD). Also called: 4-HYDROXYBUTYRIC ACIDURIA; GABA METABOLIC DEFECT; SSADH DEFICIENCY; Succinic Semialdehyde Dehydrogenase Deficiency. Identifiers: Orphanet 22, MedGen C0268631, MONDO:0010083, OMIM 271980.

Submissions (3):

GeneDx
Classification: Pathogenic. Last evaluated: 2026-10-13. Review status: criteria provided, single submitter. Criteria: GeneDx Variant Classification Process June 2021. Collection method: clinical testing. Allele origin: germline.
Comment: Observed several times with a pathogenic variant in published literature in individuals with SSADH deficiency, but it is not known whether the variants occurred on the same (in cis) or on different (in trans) chromosomes in all cases (PMID: 14635103); Frameshift variant predicted to result in protein truncation or nonsense mediated decay in a gene for which loss of function is a known mechanism of disease; Not observed at significant frequency in large population cohorts (gnomAD); This variant is associated with the following publications: (PMID: 25558043, 25431891, 14635103)

Elsea Laboratory, Baylor College of Medicine
Classification: Pathogenic for Succinate-semialdehyde dehydrogenase deficiency. Last evaluated: 2021-03-08. Review status: criteria provided, single submitter. Criteria: Martin et al. (J Child Neurol. 2021). Collection method: curation. Allele origin: germline. Affected: yes.

Labcorp Genetics (formerly Invitae), Labcorp
Classification: Pathogenic for Succinate-semialdehyde dehydrogenase deficiency. Last evaluated: 2020-08-27. Review status: criteria provided, single submitter. Criteria: Invitae Variant Classification Sherloc (09022015). Collection method: clinical testing. Allele origin: germline.
Comment: For these reasons, this variant has been classified as Pathogenic. Loss-of-function variants in ALDH5A1 are known to be pathogenic (PMID: 14635103). This variant has been observed in individual(s) with succinic semialdehyde dehydrogenase (SSADH) deficiency (PMID: 14635103). This variant is not present in population databases (ExAC no frequency). This sequence change creates a premature translational stop signal (p.Ala12Glyfs*124) in the ALDH5A1 gene. It is expected to result in an absent or disrupted protein product.

Literature cited by the submitters: PubMed 14635103 (cited by Elsea Laboratory, Baylor College of Medicine and Labcorp Genetics (formerly Invitae), Labcorp).